The following is an entry in ClinVar:

ClinVar aggregate classification (germline): Uncertain significance. Review status: criteria provided, multiple submitters, no conflicts (2 of 4 stars). 2 submissions from 2 submitters: Uncertain significance (2). Last evaluated 2025-08-02.

Conditions:
Pure or complex autosomal recessive spastic paraplegia. Identifiers: Orphanet 320346, MedGen C5679887, MONDO:0017915.

gnomAD v4.1: 11 of 1,613,390 alleles (0.00068%); highest among the groups gnomAD compares: Admixed American, 0.01%; no homozygotes.

Submissions (2):

Ambry Genetics
Classification: Uncertain significance. Last evaluated: 2025-08-02. Review status: criteria provided, single submitter. Criteria: Ambry Variant Classification Scheme 2023. Collection method: clinical testing. Allele origin: germline.

Labcorp Genetics (formerly Invitae), Labcorp
Classification: Uncertain significance for Pure or complex autosomal recessive spastic paraplegia. Last evaluated: 2024-07-13. Review status: criteria provided, single submitter. Criteria: Invitae Variant Classification Sherloc (09022015). Collection method: clinical testing. Allele origin: germline.
Comment: This sequence change replaces threonine, which is neutral and polar, with serine, which is neutral and polar, at codon 864 of the ZFR protein (p.Thr864Ser). This variant is present in population databases (rs760378314, gnomAD 0.009%). This variant has not been reported in the literature in individuals affected with ZFR-related conditions. Experimental studies and prediction algorithms are not available or were not evaluated, and the functional significance of this variant is currently unknown. Algorithms developed to predict the effect of sequence changes on RNA splicing suggest that this variant may create or strengthen a splice site. In summary, the available evidence is currently insufficient to determine the role of this variant in disease. Therefore, it has been classified as a Variant of Uncertain Significance.

NM_016107.5(ZFR):c.2591C>G (p.Thr864Ser)

Gene: ZFR (zinc finger RNA binding protein; minus strand). Cytogenetic location: 5p13.3.
Variant type: single nucleotide variant.
Coding change: c.2591C>G on transcript NM_016107.5 (MANE Select); coding-DNA position 2591, C replaced by G.
Protein change: p.Thr864Ser; replaces threonine 864 with serine.
Molecular consequence: missense variant. On other transcripts: non-coding transcript variant (1).
Genome position (GRCh38, 1-based): chr5:32,385,558, G>C on the plus strand (C>G on the coding strand, the complement: ZFR is on the minus strand). VCF-style: chr5-32385558-G-C. GRCh37 (hg19) VCF-style: chr5-32385664-G-C.
Other names: c.2591C>G (NM_016107.3); short protein forms T864S.
Identifiers: ClinVar variation 3693336 (VCV003693336.3).